The following is an entry in ClinVar:

NM_006009.4(TUBA1A):c.535A>G (p.Thr179Ala)

Gene: TUBA1A (tubulin alpha 1a; minus strand). Cytogenetic location: 12q13.12.
Variant type: single nucleotide variant.
Coding change: c.535A>G on transcript NM_006009.4 (MANE Select); coding-DNA position 535, A replaced by G.
Protein change: p.Thr179Ala; replaces threonine 179 with alanine.
Molecular consequence: missense variant.
Genome position (GRCh38, 1-based): chr12:49,185,831, T>C on the plus strand (A>G on the coding strand, the complement: TUBA1A is on the minus strand). VCF-style: chr12-49185831-T-C. GRCh37 (hg19) VCF-style: chr12-49579614-T-C.
Other names: c.535A>G, p.Thr179Ala (NM_001270399.2); c.430A>G, p.Thr144Ala (NM_001270400.2); short protein forms T144A, T179A.
Identifiers: ClinVar variation 4850178 (VCV004850178.1).

ClinVar aggregate classification (germline): Likely pathogenic (1 of 4 stars; one submission).

Conditions:
Lissencephaly due to TUBA1A mutation (CDCBM16). Also called: Lissencephaly 3; CORTICAL DYSPLASIA, COMPLEX, WITH OTHER BRAIN MALFORMATIONS 16. Identifiers: Orphanet 171680, MedGen C4305153, MONDO:0012703, OMIM 611603.

Submission:

Variantyx, Inc.
Classification: Likely pathogenic for Lissencephaly due to TUBA1A mutation. Last evaluated: 2025-07-01. Review status: criteria provided, single submitter. Criteria: Variantyx Assertion Criteria 2022. Collection method: clinical testing. Allele origin: de novo. Inheritance: Autosomal dominant inheritance. Affected: yes.
Comment: This is a nonsynonymous variant in the TUBA1A gene (OMIM: 602529). Pathogenic variants in this gene have been associated with autosomal dominant lissencephaly 3 (PMID: 17218254). The clinical symptoms reported for this individual are highly specific for autosomal dominant lissencephaly 3, which has a limited genetic etiology (PP4). Multiple computational algorithms predict a deleterious effect for this variant (REVEL score: 0.681) (PP3). This variant is absent from control populations (PM2). Based on the current evidence, this variant is classified as likely pathogenic for autosomal dominant lissencephaly 3.

Literature cited by the submitters: PubMed 17218254.